The following is an entry in ClinVar:

NM_005378.6(MYCN):c.1242T>G (p.Asn414Lys)

Gene: MYCN (MYCN proto-oncogene, bHLH transcription factor; plus strand). Cytogenetic location: 2p24.3.
Variant type: single nucleotide variant.
Coding change: c.1242T>G on transcript NM_005378.6 (MANE Select); coding-DNA position 1242, T replaced by G.
Protein change: p.Asn414Lys; replaces asparagine 414 with lysine.
Molecular consequence: missense variant. On other transcripts: 3 prime UTR variant (1).
Genome position (GRCh38, 1-based): chr2:15,945,944, T>G. VCF-style: chr2-15945944-T-G. GRCh37 (hg19) VCF-style: chr2-16086066-T-G.
Other names: c.1242T>G, p.Asn414Lys (NM_001293228.2); c.609T>G, p.Asn203Lys (NM_001293231.2); c.*1177T>G (NM_001293233.2); short protein forms N203K, N414K.
Identifiers: ClinVar variation 4709712 (VCV004709712.1).

ClinVar aggregate classification (germline): Uncertain significance (1 of 4 stars; one submission).

Submission:

Labcorp Genetics (formerly Invitae), Labcorp
Classification: Uncertain significance. Last evaluated: 2025-10-26. Review status: criteria provided, single submitter. Criteria: Invitae Variant Classification Sherloc (09022015). Collection method: clinical testing. Allele origin: germline.
Comment: This sequence change replaces asparagine, which is neutral and polar, with lysine, which is basic and polar, at codon 414 of the MYCN protein (p.Asn414Lys). This variant is not present in population databases (gnomAD no frequency). This variant has not been reported in the literature in individuals affected with MYCN-related conditions. Invitae Evidence Modeling of protein sequence and biophysical properties (such as structural, functional, and spatial information, amino acid conservation, physicochemical variation, residue mobility, and thermodynamic stability) indicates that this missense variant is not expected to disrupt MYCN protein function with a negative predictive value of 95%. In summary, the available evidence is currently insufficient to determine the role of this variant in disease. Therefore, it has been classified as a Variant of Uncertain Significance.